The following is an entry in ClinVar:

ClinVar aggregate classification (germline): Pathogenic. Review status: criteria provided, single submitter (1 of 4 stars). 2 submissions from 2 submitters: Pathogenic (1). 1 of the submissions does not count toward it. Last evaluated 2022-09-05.

Conditions:
Cystic fibrosis (CF). Also called: MUCOVISCIDOSIS. Identifiers: Orphanet 586, MedGen C0010674, MONDO:0009061, OMIM 219700. Disease mechanism: loss of function.

Submissions (2):

Institute of Human Genetics, University of Leipzig Medical Center
Classification: Pathogenic for Cystic fibrosis. Last evaluated: 2022-09-05. Review status: criteria provided, single submitter. Criteria: ACMG Guidelines, 2015. Collection method: curation. Allele origin: unknown. Affected: yes. Observed: 1 variant allele.
Comment: The variant was classified in the context of a project re-classifying variants in the German Cystic Fibrosis Registry (Muko.e.V.). Criteria applied: PVS1, PM2_SUP, PM3, PP4

ClinVar Staff, National Center for Biotechnology Information (NCBI)
No classification provided. Condition: CFTR-related disorders. Review status: no classification provided. Collection method: literature only. Allele origin: germline. Affected: yes. Not counted in ClinVar's aggregate classification.

Literature cited by the submitters: PubMed 9383031 (cited by ClinVar Staff, National Center for Biotechnology Information (NCBI)).

NM_000492.4(CFTR):c.3976del (p.Ser1326fs)

Gene: CFTR (CF transmembrane conductance regulator; plus strand). Cytogenetic location: 7q31.2.
Variant type: Deletion.
Coding change: c.3976del on transcript NM_000492.4 (MANE Select); coding-DNA position 3976, one base deleted (T; older notation c.3976delT).
Protein change: p.Ser1326fs; shifts the reading frame from serine 1326.
Molecular consequence: frameshift variant.
Genome position (GRCh38, 1-based): chr7:117,664,700, T deleted. VCF-style (leftmost placement, unchanged base first): chr7-117664699-AT-A. GRCh37 (hg19) VCF-style: chr7-117304753-AT-A.
Other names: 4108delT; c.3976delT (NM_000492.3); short protein forms S1326fs.
Identifiers: ClinVar variation 53866 (VCV000053866.2), dbSNP rs397508654, ClinGen allele CA327369.